The following is an entry in ClinVar:

ClinVar aggregate classification (germline): Uncertain significance (1 of 4 stars; one submission).

Conditions:
Hypertrophic cardiomyopathy 25 (CMH25). Also called: CARDIOMYOPATHY, FAMILIAL HYPERTROPHIC, 25. Identifiers: MedGen C4225408, MONDO:0011843, OMIM 607487.
Primary familial hypertrophic cardiomyopathy (HCM). Identifiers: Orphanet 99739, MedGen C0949658, MeSH D024741, MONDO:0024573. Inheritance: Various modes of inheritance.

Submission:

Labcorp Genetics (formerly Invitae), Labcorp
Classification: Uncertain significance for Hypertrophic cardiomyopathy 25; Primary familial hypertrophic cardiomyopathy. Last evaluated: 2024-04-12. Review status: criteria provided, single submitter. Criteria: Invitae Variant Classification Sherloc (09022015). Collection method: clinical testing. Allele origin: germline.
Comment: This sequence change replaces arginine, which is basic and polar, with leucine, which is neutral and non-polar, at codon 17 of the TCAP protein (p.Arg17Leu). This variant is not present in population databases (gnomAD no frequency). This variant has not been reported in the literature in individuals affected with TCAP-related conditions. An algorithm developed to predict the effect of missense changes on protein structure and function (PolyPhen-2) suggests that this variant is likely to be tolerated. In summary, the available evidence is currently insufficient to determine the role of this variant in disease. Therefore, it has been classified as a Variant of Uncertain Significance.

NM_003673.4(TCAP):c.50G>T (p.Arg17Leu)

Gene: TCAP (titin-cap; plus strand). Cytogenetic location: 17q12.
Variant type: single nucleotide variant.
Coding change: c.50G>T on transcript NM_003673.4 (MANE Select); coding-DNA position 50, G replaced by T.
Protein change: p.Arg17Leu; replaces arginine 17 with leucine.
Molecular consequence: missense variant.
Genome position (GRCh38, 1-based): chr17:39,665,409, G>T. VCF-style: chr17-39665409-G-T. GRCh37 (hg19) VCF-style: chr17-37821662-G-T.
Other names: short protein forms R17L.
Identifiers: ClinVar variation 3763286 (VCV003763286.2).